The following is an entry in ClinVar:

NM_001173990.3(TMEM216):c.136+2T>G

Gene: TMEM216 (transmembrane protein 216; plus strand). Cytogenetic location: 11q12.2.
Variant type: single nucleotide variant.
Coding change: c.136+2T>G on transcript NM_001173990.3 (MANE Select); the canonical splice donor site of the intron after coding-DNA position 136, T replaced by G.
Molecular consequence: splice donor variant.
Genome position (GRCh38, 1-based): chr11:61,393,334, T>G. VCF-style: chr11-61393334-T-G. GRCh37 (hg19) VCF-style: chr11-61160806-T-G.
Other names: c.-48+2T>G (NM_016499.6, NM_001330285.2); c.136+2T>G (NM_001173991.3).
Identifiers: ClinVar variation 2763295 (VCV002763295.3), dbSNP rs2539891739, ClinGen allele CA380684761.
Genomic context (GRCh38, chr11:61,393,334, plus strand): 5'-GAACGGGTGGTATAATGCTACCTATTTCCTGCTGGAACTTTTCATATTTCTGTATAAAGG[T>G]AAGGAAGGCTTGGGGCTTGACGACAGCATCCCTTCCCCACTTCAGCTCAGAGCCAATTCC-3'

ClinVar aggregate classification (germline): Likely pathogenic (1 of 4 stars; one submission).

Conditions:
Joubert syndrome. Also called: CEREBELLOPARENCHYMAL DISORDER IV; JOUBERT-BOLTSHAUSER SYNDROME; Familial aplasia of the vermis. Identifiers: Orphanet 475, MedGen C5979921, MONDO:0018772.

Submission:

Labcorp Genetics (formerly Invitae), Labcorp
Classification: Likely pathogenic for Joubert syndrome. Last evaluated: 2023-09-25. Review status: criteria provided, single submitter. Criteria: Invitae Variant Classification Sherloc (09022015). Collection method: clinical testing. Allele origin: germline.
Comment: In summary, the currently available evidence indicates that the variant is pathogenic, but additional data are needed to prove that conclusively. Therefore, this variant has been classified as Likely Pathogenic. Algorithms developed to predict the effect of sequence changes on RNA splicing suggest that this variant may disrupt the consensus splice site. This variant has not been reported in the literature in individuals affected with TMEM216-related conditions. This variant is not present in population databases (gnomAD no frequency). This sequence change affects a donor splice site in intron 2 of the TMEM216 gene. It is expected to disrupt RNA splicing. Variants that disrupt the donor or acceptor splice site typically lead to a loss of protein function (PMID: 16199547), and loss-of-function variants in TMEM216 are known to be pathogenic (PMID: 20512146).

Literature cited by the submitters: PubMed 16199547; PubMed 20512146.